The following is an entry in ClinVar:

ClinVar aggregate classification (germline): Uncertain significance. Review status: criteria provided, multiple submitters, no conflicts (2 of 4 stars). 4 submissions from 4 submitters: Uncertain significance (3). 1 of the submissions does not count toward it. Last evaluated 2024-12-16.

Conditions:
Hypopigmentation, organomegaly, and delayed myelination and development. Identifiers: MedGen C5203300, MONDO:0032805, OMIM 618541.
Autosomal recessive osteopetrosis 4. Also called: infantile malignant CLCN7-related recessive osteopetrosis; CLCN7-Related Osteopetrosis. Identifiers: Orphanet 667, MedGen C1969106, MONDO:0012676, OMIM 611490.
Autosomal dominant osteopetrosis 2. Also called: ALBERS-SCHONBERG DISEASE, AUTOSOMAL DOMINANT; MARBLE BONES, AUTOSOMAL DOMINANT; OSTEOSCLEROSIS FRAGILIS GENERALISATA; Osteopetroses; Marble bones; Albers-Schonberg disease. Identifiers: Orphanet 53, MedGen C3179239, MONDO:0008156, OMIM 166600.
CLCN7-related disorder. Also called: CLCN7-related condition.

Allele frequency attached by ClinVar (database versions not stated): gnomAD 0.00003 and 0.00004.
gnomAD v4.1: 36 of 1,567,242 alleles (0.0023%); highest among the groups gnomAD compares: Non-Finnish European, 0.0029%; no homozygotes.

Submissions (4):

Labcorp Genetics (formerly Invitae), Labcorp
Classification: Uncertain significance. Last evaluated: 2024-12-16. Review status: criteria provided, single submitter. Criteria: Invitae Variant Classification Sherloc (09022015). Collection method: clinical testing. Allele origin: germline.
Comment: This sequence change replaces alanine, which is neutral and non-polar, with threonine, which is neutral and polar, at codon 291 of the CLCN7 protein (p.Ala291Thr). This variant is present in population databases (no rsID available, gnomAD 0.001%). This variant has not been reported in the literature in individuals affected with CLCN7-related conditions. ClinVar contains an entry for this variant (Variation ID: 1475213). An algorithm developed to predict the effect of missense changes on protein structure and function (PolyPhen-2) suggests that this variant is likely to be disruptive. In summary, the available evidence is currently insufficient to determine the role of this variant in disease. Therefore, it has been classified as a Variant of Uncertain Significance.

Blueprint Genetics
Classification: Uncertain significance. Last evaluated: 2024-01-30. Review status: criteria provided, single submitter. Criteria: ACMG Guidelines, 2015. Collection method: clinical testing. Allele origin: germline.

Fulgent Genetics
Classification: Uncertain significance for Autosomal dominant osteopetrosis 2; Autosomal recessive osteopetrosis 4; Hypopigmentation, organomegaly, and delayed myelination and development. Last evaluated: 2021-09-01. Review status: criteria provided, single submitter. Criteria: ACMG Guidelines, 2015. Collection method: clinical testing. Allele origin: unknown.

PreventionGenetics, part of Exact Sciences
Classification: Uncertain significance for CLCN7-related condition. Last evaluated: 2024-01-24. Review status: no assertion criteria provided. Collection method: clinical testing. Allele origin: germline. Not counted in ClinVar's aggregate classification.
Comment: The CLCN7 c.871G>A variant is predicted to result in the amino acid substitution p.Ala291Thr. To our knowledge, this variant has not been reported in the literature. This variant is reported in 0.0011% of alleles in individuals of European (Non-Finnish) descent in gnomAD. At this time, the clinical significance of this variant is uncertain due to the absence of conclusive functional and genetic evidence.

NM_001287.6(CLCN7):c.871G>A (p.Ala291Thr)

Gene: CLCN7 (Cl-/H+ antiporter 7; minus strand). Cytogenetic location: 16p13.3.
Variant type: single nucleotide variant.
Coding change: c.871G>A on transcript NM_001287.6 (MANE Select); coding-DNA position 871, G replaced by A.
Protein change: p.Ala291Thr; replaces alanine 291 with threonine.
Molecular consequence: missense variant.
Genome position (GRCh38, 1-based): chr16:1,456,158, C>T on the plus strand (G>A on the coding strand, the complement: CLCN7 is on the minus strand). VCF-style: chr16-1456158-C-T. GRCh37 (hg19) VCF-style: chr16-1506159-C-T.
Other names: c.799G>A, p.Ala267Thr (NM_001114331.3); c.871G>A (NM_001287.5); short protein forms A267T, A291T.
Identifiers: ClinVar variation 1475213 (VCV001475213.10), dbSNP rs923808258, ClinGen allele CA276677959.
Genomic context (GRCh38, chr16:1,456,158, plus strand): 5'-TGCGGCCCTCCTCACCCACGGGGGCTCCAAACGCCGCTGACACTCCGGCCGCAGCCCCTG[C>T]GGAGACGAAGTCCCGCTTCTCTGTGTCTCTGCGGAAGTACTCGAAGATCTGCAACAGGGA-3'
Protein context (NP_001278.1, residues 281-301): RDTEKRDFVS[Ala291Thr]GAAAGVSAAF